The following is an entry in ClinVar:

ClinVar aggregate classification (germline): Likely benign. Review status: criteria provided, multiple submitters, no conflicts (2 of 4 stars). 2 submissions from 2 submitters: Likely benign (2). Last evaluated 2022-11-23.

Conditions:
Episodic kinesigenic dyskinesia (EKD). Also called: Paroxysmal kinesigenic dyskinesia. Identifiers: Orphanet 98809, MedGen C1868682, MONDO:0044202.

Allele frequency attached by ClinVar (database versions not stated): gnomAD exomes 0.00001 and 0.00003; ExAC 0.00002.

Submissions (2):

Labcorp Genetics (formerly Invitae), Labcorp
Classification: Likely benign for Episodic kinesigenic dyskinesia. Last evaluated: 2022-11-23. Review status: criteria provided, single submitter. Criteria: Invitae Variant Classification Sherloc (09022015). Collection method: clinical testing. Allele origin: germline.

GeneDx
Classification: Likely benign. Last evaluated: 2018-05-15. Review status: criteria provided, single submitter. Criteria: GeneDx Variant Classification (06012015). Collection method: clinical testing. Allele origin: germline. Affected: yes.
Comment: This variant is considered likely benign or benign based on one or more of the following criteria: it is a conservative change, it occurs at a poorly conserved position in the protein, it is predicted to be benign by multiple in silico algorithms, and/or has population frequency not consistent with disease.

NM_145239.3(PRRT2):c.309C>T (p.Asp103=)

Genes: MVP-DT (MVP divergent transcript; minus strand), PRRT2 (proline rich transmembrane protein 2; plus strand). Cytogenetic location: 16p11.2.
Variant type: single nucleotide variant.
Coding change: c.309C>T on transcript NM_145239.3 (MANE Select); coding-DNA position 309, C replaced by T.
Protein change: p.Asp103=; no amino-acid change (aspartic acid 103 retained).
Molecular consequence: synonymous variant.
Genome position (GRCh38, 1-based): chr16:29,813,363, C>T. VCF-style: chr16-29813363-C-T. GRCh37 (hg19) VCF-style: chr16-29824684-C-T.
Other names: c.309C>T, p.Asp103= (NM_001256442.2, NM_001256443.2).
Identifiers: ClinVar variation 668445 (VCV000668445.4), dbSNP rs772941122, ClinGen allele CA7994509.